The following is an entry in ClinVar:

NM_004993.6(ATXN3):c.892CAG[12] (p.Gln302_Gln305dup)

Genes: ATXN3 (ataxin 3; minus strand), LOC108663987 (ataxin 3 repeat instability region; plus strand). Cytogenetic location: 14q32.12.
Variant type: Microsatellite.
Coding change: c.892CAG[12] on transcript NM_004993.6 (MANE Select); 12 copies in a row of the 3-base unit CAG starting at c.892; the reference has eight copies in a row; four copies, 12 bases duplicated.
Protein change: p.Gln302_Gln305dup.
Molecular consequence: inframe insertion. On other transcripts: non-coding transcript variant (19).
Genome position (GRCh38, 1-based): chr14:92,071,011-92,071,022, CTGCTGCTGCTG duplicated on the plus strand (CAGCAGCAGCAG on the coding strand, the reverse complement: ATXN3 is on the minus strand); duplicating any 12 consecutive bases within chr14:92,071,011-92,071,034 gives the same sequence; the position shown is the placement nearest the transcript's 3' end. VCF-style (leftmost placement, unchanged base first): chr14-92071010-C-CCTGCTGCTGCTG. GRCh37 (hg19) VCF-style: chr14-92537354-C-CCTGCTGCTGCTG.
Other names: c.847CAG[12], p.Gln287_Gln290dup (NM_001127696.2); c.739CAG[12], p.Gln251_Gln254dup (NM_001127697.3); c.209CAG[12], p.Ala74_Ala77dup (NM_001164774.2); c.254CAG[12], p.Ala89_Ala92dup (NM_001164776.2); c.89CAG[12], p.Ala34_Ala37dup (NM_001164777.2); c.407CAG[12], p.Ala140_Ala143dup (NM_001164778.2); c.529CAG[12], p.Gln181_Gln184dup (NM_001164779.2); c.355CAG[12], p.Gln123_Gln126dup (NM_001164780.2); and 3 more.
Identifiers: ClinVar variation 931861 (VCV000931861.5), dbSNP rs193922928, ClinGen allele CA265623224.

ClinVar aggregate classification (germline): Benign/Likely benign. Review status: criteria provided, multiple submitters, no conflicts (2 of 4 stars). 3 submissions from 3 submitters: Benign (1); Likely benign (2). Last evaluated 2026-09-01.

Conditions:
Azorean disease (MJD). Also called: SPINOCEREBELLAR ATROPHY III; SPINOPONTINE ATROPHY; AZOREAN NEUROLOGIC DISEASE; Machado-Joseph disease; NIGROSPINODENTATAL DEGENERATION; Spinocerebellar Ataxia Type 3. Identifiers: Orphanet 98757, MedGen C0024408, MONDO:0007182, OMIM 109150.

Submissions (3):

CeGaT Center for Human Genetics Tuebingen
Classification: Likely benign. Last evaluated: 2026-09-01. Review status: criteria provided, single submitter. Criteria: CeGaT Center For Human Genetics Tuebingen Variant Classification Criteria Version 2. Collection method: clinical testing. Allele origin: germline. Affected: yes. Observed: 2 variant alleles.
Comment: ATXN3: BS1

Blueprint Genetics
Classification: Likely benign. Last evaluated: 2024-11-27. Review status: criteria provided, single submitter. Criteria: ACMG Guidelines, 2015. Collection method: clinical testing. Allele origin: germline.

Centre for Mendelian Genomics, University Medical Centre Ljubljana
Classification: Benign for Azorean disease. Last evaluated: 2018-11-16. Review status: criteria provided, single submitter. Criteria: ACMG Guidelines, 2015. Collection method: clinical testing. Allele origin: unknown. Affected: yes.
Comment: This variant was classified as: Benign. The following ACMG criteria were applied in classifying this variant: A.